The following is an entry in ClinVar:

NM_004415.4(DSP):c.3760G>T (p.Val1254Phe)

Gene: DSP (desmoplakin; plus strand). Cytogenetic location: 6p24.3.
Variant type: single nucleotide variant.
Coding change: c.3760G>T on transcript NM_004415.4 (MANE Select); coding-DNA position 3760, G replaced by T.
Protein change: p.Val1254Phe; replaces valine 1254 with phenylalanine.
Molecular consequence: missense variant. On other transcripts: intron variant (1).
Genome position (GRCh38, 1-based): chr6:7,579,950, G>T. VCF-style: chr6-7579950-G-T. GRCh37 (hg19) VCF-style: chr6-7580183-G-T.
Other names: c.3760G>T, p.Val1254Phe (NM_001319034.2); c.3582+178G>T (NM_001008844.3); short protein forms V1254F.
Identifiers: ClinVar variation 3074959 (VCV003074959.1), dbSNP rs778448699, ClinGen allele CA362684798.

ClinVar aggregate classification (germline): Uncertain significance (1 of 4 stars; one submission).

Conditions:
Arrhythmogenic cardiomyopathy with wooly hair and keratoderma. Also called: PALMOPLANTAR KERATODERMA WITH LEFT VENTRICULAR CARDIOMYOPATHY AND WOOLLY HAIR; Carvajal syndrome; Dilated cardiomyopathy with woolly hair and keratoderma; Arrhythmogenic cardiomyopathy with woolly hair and keratoderma. Identifiers: Orphanet 65282, MedGen C1854063, MONDO:0011581, OMIM 605676.

gnomAD v4.1: 1 of 1,614,166 alleles (0.000062%); highest among the groups gnomAD compares: Admixed American, 0.0017%; no homozygotes.

Submission:

All of Us Research Program, National Institutes of Health
Classification: Uncertain significance for Arrhythmogenic cardiomyopathy with wooly hair and keratoderma. Last evaluated: 2024-01-11. Review status: criteria provided, single submitter. Criteria: ACMG Guidelines, 2015. Collection method: clinical testing. Allele origin: germline. Inheritance: Autosomal dominant inheritance. Observed: 1 variant allele, 1 heterozygote.
Comment: This study involves interpretation of variants in research participants for the purpose of population health screening. Participant phenotype was not available at the time of variant classification. Additional details can be found in publication PMID: 35346344, PMCID: PMC8962531